The following is an entry in ClinVar:

ClinVar aggregate classification (germline): Likely pathogenic (1 of 4 stars; one submission).

Submission:

GeneDx
Classification: Likely pathogenic. Last evaluated: 2025-05-14. Review status: criteria provided, single submitter. Criteria: GeneDx Variant Classification Process June 2021. Collection method: clinical testing. Allele origin: germline. Affected: yes.
Comment: Not observed at significant frequency in large population cohorts (gnomAD); In silico analysis supports that this missense variant has a deleterious effect on protein structure/function; Reported in a cohort of individuals with developmental disorders undergoing exome sequencing (PMID: 33057194); This variant is associated with the following publications: (PMID: 18409179, 35982159, 33057194)

NM_000489.6(ATRX):c.668G>A (p.Cys223Tyr)

Gene: ATRX (ATRX chromatin remodeler; minus strand). Cytogenetic location: Xq21.1.
Variant type: single nucleotide variant.
Coding change: c.668G>A on transcript NM_000489.6 (MANE Select); coding-DNA position 668, G replaced by A.
Protein change: p.Cys223Tyr; replaces cysteine 223 with tyrosine.
Molecular consequence: missense variant.
Genome position (GRCh38, 1-based): chrX:77,684,588, C>T on the plus strand (G>A on the coding strand, the complement: ATRX is on the minus strand). VCF-style: chrX-77684588-C-T. GRCh37 (hg19) VCF-style: chrX-76940080-C-T.
Other names: c.554G>A, p.Cys185Tyr (NM_138270.5); short protein forms C223Y, C185Y.
Identifiers: ClinVar variation 452000 (VCV000452000.3), dbSNP rs1557142844, ClinGen allele CA413720941.